The following is an entry in ClinVar:

NM_001006658.3(CR2):c.2105T>G (p.Ile702Ser)

Gene: CR2 (complement C3d receptor 2; plus strand). Cytogenetic location: 1q32.2.
Variant type: single nucleotide variant.
Coding change: c.2105T>G on transcript NM_001006658.3 (MANE Select); coding-DNA position 2105, T replaced by G.
Protein change: p.Ile702Ser; replaces isoleucine 702 with serine.
Molecular consequence: missense variant. On other transcripts: intron variant (1).
Genome position (GRCh38, 1-based): chr1:207,473,671, T>G. VCF-style: chr1-207473671-T-G. GRCh37 (hg19) VCF-style: chr1-207647016-T-G.
Other names: c.1979-130T>G (NM_001877.5); short protein forms I702S.
Identifiers: ClinVar variation 1474752 (VCV001474752.8), dbSNP rs2102306520, ClinGen allele CA344536077.

ClinVar aggregate classification (germline): Uncertain significance (1 of 4 stars; one submission).

Conditions:
Immunodeficiency, common variable, 7. Identifiers: Orphanet 1572, Orphanet 696894, MedGen C3542922, MONDO:0013862, OMIM 614699.

Submission:

Labcorp Genetics (formerly Invitae), Labcorp
Classification: Uncertain significance for Immunodeficiency, common variable, 7. Last evaluated: 2024-02-17. Review status: criteria provided, single submitter. Criteria: Invitae Variant Classification Sherloc (09022015). Collection method: clinical testing. Allele origin: germline.
Comment: This sequence change replaces isoleucine, which is neutral and non-polar, with serine, which is neutral and polar, at codon 702 of the CR2 protein (p.Ile702Ser). This variant is not present in population databases (gnomAD no frequency). This variant has not been reported in the literature in individuals affected with CR2-related conditions. ClinVar contains an entry for this variant (Variation ID: 1474752). An algorithm developed to predict the effect of missense changes on protein structure and function (PolyPhen-2) suggests that this variant is likely to be disruptive. In summary, the available evidence is currently insufficient to determine the role of this variant in disease. Therefore, it has been classified as a Variant of Uncertain Significance.